The following is an entry in ClinVar:

ClinVar aggregate classification (germline): Uncertain significance (1 of 4 stars; one submission).

gnomAD v4.1: 2 of 1,613,804 alleles (0.00012%); highest among the groups gnomAD compares: Non-Finnish European, 0.00017%; no homozygotes.

Submission:

GeneDx
Classification: Uncertain significance. Last evaluated: 2024-07-16. Review status: criteria provided, single submitter. Criteria: GeneDx Variant Classification Process June 2021. Collection method: clinical testing. Allele origin: germline. Affected: yes.
Comment: Observed in apparent homozygous state in a patient with sensorineural hearing loss in the literature and not observed in homozygous state in controls (PMID: 34515852); Not observed at significant frequency in large population cohorts (gnomAD); In silico analysis indicates that this missense variant does not alter protein structure/function; This variant is associated with the following publications: (PMID: 21520338, 9590290, 31554319, 34515852)

NM_005422.4(TECTA):c.1505G>C (p.Gly502Ala)

Genes: TBCEL-TECTA (TBCEL-TECTA readthrough; plus strand), TECTA (tectorin alpha; plus strand). Cytogenetic location: 11q23.3.
Variant type: single nucleotide variant.
Coding change: c.1505G>C on transcript NM_005422.4 (MANE Select); coding-DNA position 1505, G replaced by C.
Protein change: p.Gly502Ala; replaces glycine 502 with alanine.
Molecular consequence: missense variant.
Genome position (GRCh38, 1-based): chr11:121,125,603, G>C. VCF-style: chr11-121125603-G-C. GRCh37 (hg19) VCF-style: chr11-120996312-G-C.
Other names: c.2462G>C, p.Gly821Ala (NM_001378761.1); short protein forms G502A, G821A.
Identifiers: ClinVar variation 3573494 (VCV003573494.1).